The following is an entry in ClinVar:

NM_022436.3(ABCG5):c.734T>G (p.Val245Gly)

Genes: ABCG5 (ATP binding cassette subfamily G member 5; minus strand), DYNC2LI1 (dynein cytoplasmic 2 light intermediate chain 1; plus strand). Cytogenetic location: 2p21.
Variant type: single nucleotide variant.
Coding change: c.734T>G on transcript NM_022436.3 (MANE Select); coding-DNA position 734, T replaced by G.
Protein change: p.Val245Gly; replaces valine 245 with glycine.
Molecular consequence: missense variant. On other transcripts: intron variant (2).
Genome position (GRCh38, 1-based): chr2:43,826,422, A>C on the plus strand (T>G on the coding strand, the complement: ABCG5 is on the minus strand). VCF-style: chr2-43826422-A-C. GRCh37 (hg19) VCF-style: chr2-44053561-A-C.
Other names: c.*16-964A>C (NM_001348913.2, NM_001348912.2); short protein forms V245G.
Identifiers: ClinVar variation 3311168 (VCV003311168.1).

ClinVar aggregate classification (germline): Uncertain significance (1 of 4 stars; one submission).

Conditions:
Cardiovascular phenotype. Identifiers: MedGen CN230736.

Submission:

Ambry Genetics
Classification: Uncertain significance for Cardiovascular phenotype. Last evaluated: 2024-06-16. Review status: criteria provided, single submitter. Criteria: Ambry Variant Classification Scheme 2023. Collection method: clinical testing. Allele origin: germline.
Comment: The p.V245G variant (also known as c.734T>G), located in coding exon 6 of the ABCG5 gene, results from a T to G substitution at nucleotide position 734. The valine at codon 245 is replaced by glycine, an amino acid with dissimilar properties. This amino acid position is conserved. In addition, the in silico prediction for this alteration is inconclusive. Based on the available evidence, the clinical significance of this variant remains unclear.